The following is an entry in ClinVar:

NM_014141.6(CNTNAP2):c.151_152delinsAG (p.Ser51=)

Gene: CNTNAP2 (contactin associated protein 2; plus strand). Cytogenetic location: 7q35.
Variant type: Indel.
Coding change: c.151_152delinsAG on transcript NM_014141.6 (MANE Select); coding-DNA positions 151 to 152, TC replaced by AG.
Protein change: p.Ser51=; no amino-acid change (serine 51 retained).
Molecular consequence: synonymous variant.
Genome position (GRCh38, 1-based): chr7:146,774,324-146,774,325, TC replaced by AG. VCF-style: chr7-146774324-TC-AG. GRCh37 (hg19) VCF-style: chr7-146471416-TC-AG.
Identifiers: ClinVar variation 2134136 (VCV002134136.4), dbSNP rs2485547399, ClinGen allele CA2580077642.

ClinVar aggregate classification (germline): Uncertain significance (1 of 4 stars; one submission).

Conditions:
Cortical dysplasia-focal epilepsy syndrome (PTHSL1). Also called: Pitt-Hopkins-like syndrome 1. Identifiers: Orphanet 163681, Orphanet 221150, MedGen C2750246, MONDO:0012400, OMIM 610042.

Submission:

Labcorp Genetics (formerly Invitae), Labcorp
Classification: Uncertain significance for Cortical dysplasia-focal epilepsy syndrome. Last evaluated: 2022-05-27. Review status: criteria provided, single submitter. Criteria: Invitae Variant Classification Sherloc (09022015). Collection method: clinical testing. Allele origin: germline.
Comment: In summary, the available evidence is currently insufficient to determine the role of this variant in disease. Therefore, it has been classified as a Variant of Uncertain Significance. Experimental studies and prediction algorithms are not available or were not evaluated, and the effect of this variant on mRNA splicing is currently unknown. This variant has not been reported in the literature in individuals affected with CNTNAP2-related conditions. Information on the frequency of this variant in the gnomAD database is not available, as this variant may be reported differently in the database. This sequence change affects codon 51 of the CNTNAP2 mRNA. It is a 'silent' change, meaning that it does not change the encoded amino acid sequence of the CNTNAP2 protein.